The following is an entry in ClinVar:

NM_000064.4(C3):c.2863+7C>T

Gene: C3 (complement C3; minus strand). Cytogenetic location: 19p13.3.
Variant type: single nucleotide variant.
Coding change: c.2863+7C>T on transcript NM_000064.4 (MANE Select); 7 bases into the intron after coding-DNA position 2863, C replaced by T.
Molecular consequence: intron variant.
Genome position (GRCh38, 1-based): chr19:6,696,586, G>A on the plus strand (C>T on the coding strand, the complement: C3 is on the minus strand). VCF-style: chr19-6696586-G-A. GRCh37 (hg19) VCF-style: chr19-6696597-G-A.
Other names: p.?; c.2863+7C>T (LRG_27t1).
Identifiers: ClinVar variation 330297 (VCV000330297.27), dbSNP rs2287845, ClinGen allele CA9128948.

ClinVar aggregate classification (germline): Benign/Likely benign. Review status: criteria provided, multiple submitters, no conflicts (2 of 4 stars). 14 submissions from 11 submitters: Benign (11); Likely benign (1). 2 of the submissions do not count toward it. Last evaluated 2026-02-04.

Conditions:
Complement component 3 deficiency. Identifiers: Orphanet 280133, MedGen C3151071, MONDO:0013417, OMIM 613779.
Atypical hemolytic-uremic syndrome with C3 anomaly. Also called: AHUS, SUSCEPTIBILITY TO, 5. Identifiers: Orphanet 2134, MedGen C2752037, MONDO:0013043, OMIM 612925.
Atypical hemolytic-uremic syndrome. Identifiers: Orphanet 2134, MedGen C2931788, MONDO:0016244.
C3 glomerulonephritis. Also called: C3 GLOMERULOPATHY 3; Nephropathy due to CFHR5 Deficiency. Identifiers: Orphanet 329931, MedGen C4055342, MONDO:0013892, OMIM 614809.
Age related macular degeneration 9. Identifiers: MedGen C1969651, MONDO:0012659, OMIM 611378.

Allele frequency attached by ClinVar (database versions not stated): gnomAD exomes 0.63619 and 0.67353; ESP Exome Variant Server 0.64732; gnomAD 0.65549 and 0.66112; ExAC 0.66663; TOPMed 0.67525; 1000 Genomes Project 30x 0.72876; 1000 Genomes Project 0.73243.
gnomAD v4.1: 1,029,970 of 1,612,156 alleles (64%); highest among the groups gnomAD compares: East Asian, 86%; 332,996 homozygotes.

Submissions (14):

Labcorp Genetics (formerly Invitae), Labcorp
Classification: Benign. Last evaluated: 2026-02-04. Review status: criteria provided, single submitter. Criteria: Invitae Variant Classification Sherloc (09022015). Collection method: clinical testing. Allele origin: germline.

Women's Health and Genetics/Laboratory Corporation of America, LabCorp
Classification: Benign. Last evaluated: 2026-01-21. Review status: criteria provided, single submitter. Criteria: LabCorp Variant Classification Summary - May 2015. Collection method: clinical testing. Allele origin: germline.

Genomenon, Inc
Classification: Benign for Complement component 3 deficiency; C3 glomerulonephritis; Atypical hemolytic-uremic syndrome. Last evaluated: 2025-09-30. Review status: criteria provided, single submitter. Criteria: Genomenon Sequence Variant Interpretation Standards. Collection method: curation. Allele origin: germline. Affected: no.
Comment: C3 c.2863+7C>T is an intronic variant located in intron 22. This variant is present at high allele frequency in population databases. In conclusion, we classify C3 c.2863+7C>T as a benign variant.

Blueprint Genetics
Classification: Likely benign. Last evaluated: 2024-11-28. Review status: criteria provided, single submitter. Criteria: ACMG Guidelines, 2015. Collection method: clinical testing. Allele origin: germline.

Mayo Clinic Laboratories, Mayo Clinic
Classification: Benign. Last evaluated: 2022-03-10. Review status: criteria provided, single submitter. Criteria: ACMG Guidelines, 2015. Collection method: clinical testing. Allele origin: germline. Observed: 2,910 variant alleles.

Genome-Nilou Lab
Classification: Benign for Complement component 3 deficiency. Last evaluated: 2021-07-14. Review status: criteria provided, single submitter. Criteria: ACMG Guidelines, 2015. Collection method: clinical testing. Allele origin: germline. Affected: no.

Genome-Nilou Lab
Classification: Benign for Age related macular degeneration 9. Last evaluated: 2021-07-14. Review status: criteria provided, single submitter. Criteria: ACMG Guidelines, 2015. Collection method: clinical testing. Allele origin: germline. Affected: no.

GeneDx
Classification: Benign. Last evaluated: 2018-11-10. Review status: criteria provided, single submitter. Criteria: GeneDx Variant Classification Process June 2021. Collection method: clinical testing. Allele origin: germline. Affected: yes.

Illumina Laboratory Services, Illumina
Classification: Benign for Atypical hemolytic-uremic syndrome with C3 anomaly. Last evaluated: 2018-01-13. Review status: criteria provided, single submitter. Criteria: ICSL Variant Classification Criteria 13 December 2019. Collection method: clinical testing. Allele origin: germline.
Comment: This variant was observed in the ICSL laboratory as part of a predisposition screen in an ostensibly healthy population. It had not been previously curated by ICSL or reported in the Human Gene Mutation Database (HGMD: prior to June 1st, 2018), and was therefore a candidate for classification through an automated scoring system. Utilizing variant allele frequency, disease prevalence and penetrance estimates, and inheritance mode, an automated score was calculated to assess if this variant is too frequent to cause the disease. Based on the score and internal cut-off values, a variant classified as benign is not then subjected to further curation. The score for this variant resulted in a classification of benign for this disease.

Illumina Laboratory Services, Illumina
Classification: Benign for Complement component 3 deficiency. Last evaluated: 2018-01-13. Review status: criteria provided, single submitter. Criteria: ICSL Variant Classification Criteria 13 December 2019. Collection method: clinical testing. Allele origin: germline.
Comment: the same text as in the submission from Illumina Laboratory Services, Illumina above.

Illumina Laboratory Services, Illumina
Classification: Benign for Age related macular degeneration 9. Last evaluated: 2018-01-13. Review status: criteria provided, single submitter. Criteria: ICSL Variant Classification Criteria 13 December 2019. Collection method: clinical testing. Allele origin: germline.
Comment: the same text as in the submission from Illumina Laboratory Services, Illumina above.

Breakthrough Genomics
Classification: Benign. Review status: criteria provided, single submitter. Criteria: ACMG Guidelines, 2015. Collection method: not provided. Allele origin: germline. Inheritance: Autosomal recessive inheritance. Affected: yes.

Diagnostic Laboratory, Department of Genetics, University Medical Center Groningen
Classification: Benign. Review status: no assertion criteria provided. Collection method: clinical testing. Allele origin: germline. Affected: yes. Study: VKGL Data-share Consensus. Not counted in ClinVar's aggregate classification.

Joint Genome Diagnostic Labs from Nijmegen and Maastricht, Radboudumc and MUMC+
Classification: Benign. Review status: no assertion criteria provided. Collection method: clinical testing. Allele origin: germline. Affected: yes. Study: VKGL Data-share Consensus. Not counted in ClinVar's aggregate classification.